The following is an entry in ClinVar:

ClinVar aggregate classification (germline): Uncertain significance. Review status: criteria provided, multiple submitters, no conflicts (2 of 4 stars). 2 submissions from 2 submitters: Uncertain significance (2). Last evaluated 2025-04-06.

Conditions:
Juvenile polyposis syndrome (JPS). Identifiers: Orphanet 2929, MedGen C0345893, MONDO:0017380, OMIM 174900.
Hereditary cancer-predisposing syndrome. Also called: Neoplastic Syndromes, Hereditary; Hereditary neoplastic syndrome; Tumor predisposition; Hereditary Cancer Syndrome. Identifiers: Orphanet 140162, MedGen C0027672, MeSH D009386, MONDO:0015356.

gnomAD v4.1: 1 of 1,613,912 alleles (0.000062%); highest among the groups gnomAD compares: Admixed American, 0.0017%; no homozygotes.

Submissions (2):

Labcorp Genetics (formerly Invitae), Labcorp
Classification: Uncertain significance for Juvenile polyposis syndrome. Last evaluated: 2025-04-06. Review status: criteria provided, single submitter. Criteria: Invitae Variant Classification Sherloc (09022015). Collection method: clinical testing. Allele origin: germline.
Comment: This sequence change replaces glutamine, which is neutral and polar, with glutamic acid, which is acidic and polar, at codon 212 of the BMPR1A protein (p.Gln212Glu). This variant is present in population databases (no rsID available, gnomAD 0.003%). This variant has not been reported in the literature in individuals affected with BMPR1A-related conditions. ClinVar contains an entry for this variant (Variation ID: 663257). Invitae Evidence Modeling of protein sequence and biophysical properties (such as structural, functional, and spatial information, amino acid conservation, physicochemical variation, residue mobility, and thermodynamic stability) indicates that this missense variant is not expected to disrupt BMPR1A protein function with a negative predictive value of 80%. In summary, the available evidence is currently insufficient to determine the role of this variant in disease. Therefore, it has been classified as a Variant of Uncertain Significance.

Ambry Genetics
Classification: Uncertain significance for Hereditary cancer-predisposing syndrome. Last evaluated: 2024-12-30. Review status: criteria provided, single submitter. Criteria: Ambry Variant Classification Scheme 2023. Collection method: clinical testing. Allele origin: germline.
Comment: The p.Q212E variant (also known as c.634C>G), located in coding exon 6 of the BMPR1A gene, results from a C to G substitution at nucleotide position 634. The glutamine at codon 212 is replaced by glutamic acid, an amino acid with highly similar properties. This amino acid position is well conserved in available vertebrate species. In addition, the in silico prediction for this alteration is inconclusive. Based on the available evidence, the clinical significance of this variant remains unclear.

NM_004329.3(BMPR1A):c.634C>G (p.Gln212Glu)

Gene: BMPR1A (bone morphogenetic protein receptor type 1A; plus strand). Cytogenetic location: 10q23.2.
Variant type: single nucleotide variant.
Coding change: c.634C>G on transcript NM_004329.3 (MANE Select); coding-DNA position 634, C replaced by G.
Protein change: p.Gln212Glu; replaces glutamine 212 with glutamic acid.
Molecular consequence: missense variant.
Genome position (GRCh38, 1-based): chr10:86,912,343, C>G. VCF-style: chr10-86912343-C-G. GRCh37 (hg19) VCF-style: chr10-88672100-C-G.
Other names: short protein forms Q212E.
Identifiers: ClinVar variation 663257 (VCV000663257.15), dbSNP rs876658138, ClinGen allele CA377454947.
Genomic context (GRCh38, chr10:86,912,343, plus strand): 5'-GATTTGGAACAGGATGAAGCATTTATTCCAGTTGGAGAATCACTAAAAGACCTTATTGAC[C>G]AGTCACAAAGTTCTGGTAGTGGGTCTGGACTACCTTTATTGGTAAGTTAAACGTTCCTAT-3'
Protein context (NP_004320.2, residues 202-222): VGESLKDLID[Gln212Glu]SQSSGSGSGL